The following is an entry in ClinVar:

ClinVar aggregate classification (germline): Uncertain significance (1 of 4 stars; one submission).

Conditions:
Baller-Gerold syndrome (BGS). Also called: CRANIOSYNOSTOSIS WITH RADIAL DEFECTS. Identifiers: Orphanet 1225, MedGen C0265308, MONDO:0009039, OMIM 218600.

Allele frequency attached by ClinVar (database versions not stated): gnomAD exomes below 0.00001 and 0.00001; gnomAD 0.00001 and 0.00002.
gnomAD v4.1: 11 of 1,611,516 alleles (0.00068%); highest among the groups gnomAD compares: African/African-American, 0.0053%; no homozygotes.

Submission:

Labcorp Genetics (formerly Invitae), Labcorp
Classification: Uncertain significance for Baller-Gerold syndrome. Last evaluated: 2024-04-29. Review status: criteria provided, single submitter. Criteria: Invitae Variant Classification Sherloc (09022015). Collection method: clinical testing. Allele origin: germline.
Comment: This sequence change replaces glutamine, which is neutral and polar, with histidine, which is basic and polar, at codon 1114 of the RECQL4 protein (p.Gln1114His). This variant is present in population databases (no rsID available, gnomAD 0.007%). This variant has not been reported in the literature in individuals affected with RECQL4-related conditions. ClinVar contains an entry for this variant (Variation ID: 567758). Advanced modeling of protein sequence and biophysical properties (such as structural, functional, and spatial information, amino acid conservation, physicochemical variation, residue mobility, and thermodynamic stability) performed at Invitae indicates that this missense variant is not expected to disrupt RECQL4 protein function with a negative predictive value of 80%. In summary, the available evidence is currently insufficient to determine the role of this variant in disease. Therefore, it has been classified as a Variant of Uncertain Significance.

NM_004260.4(RECQL4):c.3342G>C (p.Gln1114His)

Gene: RECQL4 (RecQ like helicase 4; minus strand). Cytogenetic location: 8q24.3.
Variant type: single nucleotide variant.
Coding change: c.3342G>C on transcript NM_004260.4 (MANE Select); coding-DNA position 3342, G replaced by C.
Protein change: p.Gln1114His; replaces glutamine 1114 with histidine.
Molecular consequence: missense variant.
Genome position (GRCh38, 1-based): chr8:144,511,962, C>G on the plus strand (G>C on the coding strand, the complement: RECQL4 is on the minus strand). VCF-style: chr8-144511962-C-G. GRCh37 (hg19) VCF-style: chr8-145737345-C-G.
Other names: short protein forms Q1114H.
Identifiers: ClinVar variation 567758 (VCV000567758.8), dbSNP rs990831417, ClinGen allele CA187679043.
Genomic context (GRCh38, chr8:144,511,962, plus strand): 5'-TGCACTCACTCTGGCCTGCCCTGGCTCGGGGCCCTGTGCGTCCTCCATGCCTCCCGGCTC[C>G]TGCCCTTCCTCTTCCTCAAAGTAGCGGCCGAGCAGGTCCTTGAGCCTGGTGCTGCGCTCC-3'
Protein context (NP_004251.4, residues 1104-1124): LGRYFEEEEG[Gln1114His]EPGGMEDAQG